The following is an entry in ClinVar:

NM_138387.4(G6PC3):c.103C>T (p.Pro35Ser)

Genes: G6PC3 (glucose-6-phosphatase catalytic subunit 3; plus strand), LOC130060959 (ATAC-STARR-seq lymphoblastoid active region 12250; plus strand). Cytogenetic location: 17q21.31.
Variant type: single nucleotide variant.
Coding change: c.103C>T on transcript NM_138387.4 (MANE Select); coding-DNA position 103, C replaced by T.
Protein change: p.Pro35Ser; replaces proline 35 with serine.
Molecular consequence: missense variant. On other transcripts: intron variant (1), 5 prime UTR variant (3).
Genome position (GRCh38, 1-based): chr17:44,071,068, C>T. VCF-style: chr17-44071068-C-T. GRCh37 (hg19) VCF-style: chr17-42148436-C-T.
Other names: c.-312+354C>T (NM_001384168.1); c.103C>T, p.Pro35Ser (NM_001319945.2); c.-302C>T (NM_001384165.1); c.-437C>T (NM_001384166.1); c.-427C>T (NM_001384167.1); short protein forms P35S.
Identifiers: ClinVar variation 4871609 (VCV004871609.1).
Genomic context (GRCh38, chr17:44,071,068, plus strand): 5'-CTACAGAACCAGCTAGCCTGGCTGGAGAACGTGTGGCTCTGGATCACCTTTCTGGGCGAT[C>T]CCAAGATCCTCTTTCTGTTCTACTTCCCCGCGGCCTACTACGCCTCCCGCCGTGTGGGCA-3'
Protein context (NP_612396.1, residues 25-45): VWLWITFLGD[Pro35Ser]KILFLFYFPA

ClinVar aggregate classification (germline): Uncertain significance (1 of 4 stars; one submission).

Conditions:
Inborn genetic diseases. Identifiers: MedGen C0950123, MeSH D030342.

gnomAD v4.1: 1 of 1,611,880 alleles (0.000062%); highest among the groups gnomAD compares: South Asian, 0.0011%; no homozygotes.

Submission:

Ambry Genetics
Classification: Uncertain significance for Inborn genetic diseases. Last evaluated: 2026-06-09. Review status: criteria provided, single submitter. Criteria: Ambry Variant Classification Scheme 2023. Collection method: clinical testing. Allele origin: germline.
Comment: The p.P35S variant (also known as c.103C>T), located in coding exon 1 of the G6PC3 gene, results from a C to T substitution at nucleotide position 103. The proline at codon 35 is replaced by serine, an amino acid with similar properties. This amino acid position is conserved. In addition, the in silico prediction for this alteration is inconclusive. Based on the available evidence, the clinical significance of this variant remains unclear.